The following is an entry in ClinVar:

NM_001171613.2(PREPL):c.778G>T (p.Val260Leu)

Gene: PREPL (prolyl endopeptidase like; minus strand). Cytogenetic location: 2p21.
Variant type: single nucleotide variant.
Coding change: c.778G>T on transcript NM_001171613.2 (MANE Select); coding-DNA position 778, G replaced by T.
Protein change: p.Val260Leu; replaces valine 260 with leucine.
Molecular consequence: missense variant. On other transcripts: intron variant (1).
Genome position (GRCh38, 1-based): chr2:44,338,461, C>A on the plus strand (G>T on the coding strand, the complement: PREPL is on the minus strand). VCF-style: chr2-44338461-C-A. GRCh37 (hg19) VCF-style: chr2-44565600-C-A.
Other names: c.1045G>T, p.Val349Leu (NM_001042386.2, NM_001171603.1, NM_001171606.2 and 3 more transcripts); c.778G>T, p.Val260Leu (NM_001171617.1, NM_001374277.1); c.969+686G>T (NM_001042385.2); short protein forms V349L, V260L.
Identifiers: ClinVar variation 859487 (VCV000859487.9), dbSNP rs1674865285, ClinGen allele CA346691599.

ClinVar aggregate classification (germline): Uncertain significance (1 of 4 stars; one submission).

Conditions:
Myasthenic syndrome, congenital, 22 (CMS22). Also called: PREPL DEFICIENCY. Identifiers: MedGen C4479088, MONDO:0044299, OMIM 616224.

gnomAD v4.1: 1 of 1,612,794 alleles (0.000062%); highest among the groups gnomAD compares: South Asian, 0.0011%; no homozygotes.

Submission:

Labcorp Genetics (formerly Invitae), Labcorp
Classification: Uncertain significance for Myasthenic syndrome, congenital, 22. Last evaluated: 2022-07-06. Review status: criteria provided, single submitter. Criteria: Invitae Variant Classification Sherloc (09022015). Collection method: clinical testing. Allele origin: germline.
Comment: This sequence change replaces valine, which is neutral and non-polar, with leucine, which is neutral and non-polar, at codon 349 of the PREPL protein (p.Val349Leu). This variant is not present in population databases (gnomAD no frequency). This variant has not been reported in the literature in individuals affected with PREPL-related conditions. ClinVar contains an entry for this variant (Variation ID: 859487). Algorithms developed to predict the effect of missense changes on protein structure and function output the following: SIFT: "Tolerated"; PolyPhen-2: "Benign"; Align-GVGD: "Class C0". The leucine amino acid residue is found in multiple mammalian species, which suggests that this missense change does not adversely affect protein function. In summary, the available evidence is currently insufficient to determine the role of this variant in disease. Therefore, it has been classified as a Variant of Uncertain Significance.